The following is an entry in ClinVar:

ClinVar aggregate classification (germline): Uncertain significance (1 of 4 stars; one submission).

gnomAD v4.1: 3 of 1,563,148 alleles (0.00019%); highest among the groups gnomAD compares: Non-Finnish European, 0.00026%; no homozygotes.

Submission:

Labcorp Genetics (formerly Invitae), Labcorp
Classification: Uncertain significance. Last evaluated: 2025-09-02. Review status: criteria provided, single submitter. Criteria: Invitae Variant Classification Sherloc (09022015). Collection method: clinical testing. Allele origin: germline.
Comment: This sequence change falls in intron 15 of the SULF1 gene. It does not directly change the encoded amino acid sequence of the SULF1 protein. It affects a nucleotide within the consensus splice site. This variant is not present in population databases (gnomAD no frequency). This variant has not been reported in the literature in individuals affected with SULF1-related conditions. ClinVar contains an entry for this variant (Variation ID: 3671339). Variants that disrupt the consensus splice site are a relatively common cause of aberrant splicing (PMID: 17576681, 9536098). Algorithms developed to predict the effect of sequence changes on RNA splicing suggest that this variant may disrupt the consensus splice site. In summary, the available evidence is currently insufficient to determine the role of this variant in disease. Therefore, it has been classified as a Variant of Uncertain Significance.

Literature cited by the submitters: PubMed 17576681; PubMed 9536098.

NM_001128205.2(SULF1):c.1850+5G>C

Gene: SULF1 (sulfatase 1; plus strand). Cytogenetic location: 8q13.3.
Variant type: single nucleotide variant.
Coding change: c.1850+5G>C on transcript NM_001128205.2 (MANE Select); 5 bases into the intron after coding-DNA position 1850, G replaced by C.
Molecular consequence: intron variant.
Genome position (GRCh38, 1-based): chr8:69,624,202, G>C. VCF-style: chr8-69624202-G-C. GRCh37 (hg19) VCF-style: chr8-70536437-G-C.
Other names: c.1664+5G>C (NM_001412842.1, NM_001412841.1); c.1850+5G>C (NM_001128206.2, NM_001412831.1, NM_001412835.1 and 9 more transcripts); c.1721+5G>C (NM_001412840.1, NM_001412839.1, NM_001412838.1 and 1 more transcripts); c.1793+5G>C (NM_001412836.1, NM_001412837.1); c.1250+5G>C (NM_001412845.1, NM_001412844.1); c.59+5G>C (NM_001412846.1).
Identifiers: ClinVar variation 3671339 (VCV003671339.2).